The following is an entry in ClinVar:

ClinVar aggregate classification (germline): Likely benign (0 of 4 stars; one submission).

Conditions:
PREX2-related disorder. Also called: PREX2-related condition.

Allele frequency attached by ClinVar (database versions not stated): gnomAD exomes 0.00030; ExAC 0.00085; ESP Exome Variant Server 0.00100; gnomAD 0.00111; TOPMed 0.00116; 1000 Genomes Project 30x 0.00219; 1000 Genomes Project 0.00240.
gnomAD v4.1: 620 of 1,614,102 alleles (0.038%); highest among the groups gnomAD compares: African/African-American, 0.33%; 4 homozygotes.

Submission:

PreventionGenetics, part of Exact Sciences
Classification: Likely benign for PREX2-related condition. Last evaluated: 2019-02-18. Review status: no assertion criteria provided. Collection method: clinical testing. Allele origin: germline.
Comment: This variant is classified as likely benign based on ACMG/AMP sequence variant interpretation guidelines (Richards et al. 2015 PMID: 25741868, with internal and published modifications).

NM_024870.4(PREX2):c.3936G>A (p.Ala1312=)

Gene: PREX2 (phosphatidylinositol-3,4,5-trisphosphate dependent Rac exchange factor 2; plus strand). Cytogenetic location: 8q13.2.
Variant type: single nucleotide variant.
Coding change: c.3936G>A on transcript NM_024870.4 (MANE Select); coding-DNA position 3936, G replaced by A.
Protein change: p.Ala1312=; no amino-acid change (alanine 1312 retained).
Molecular consequence: synonymous variant.
Genome position (GRCh38, 1-based): chr8:68,134,228, G>A. VCF-style: chr8-68134228-G-A. GRCh37 (hg19) VCF-style: chr8-69046463-G-A.
Identifiers: ClinVar variation 3034784 (VCV003034784.2), dbSNP rs140035238, ClinGen allele CA4774622.